The following is an entry in ClinVar:

NM_020070.4(IGLL1):c.35C>T (p.Ala12Val)

Gene: IGLL1 (immunoglobulin lambda like polypeptide 1; minus strand). Cytogenetic location: 22q11.23.
Variant type: single nucleotide variant.
Coding change: c.35C>T on transcript NM_020070.4 (MANE Select); coding-DNA position 35, C replaced by T.
Protein change: p.Ala12Val; replaces alanine 12 with valine.
Molecular consequence: missense variant.
Genome position (GRCh38, 1-based): chr22:23,580,156, G>A on the plus strand (C>T on the coding strand, the complement: IGLL1 is on the minus strand). VCF-style: chr22-23580156-G-A. GRCh37 (hg19) VCF-style: chr22-23922343-G-A.
Other names: c.35C>T, p.Ala12Val (NM_001369906.1, NM_152855.3); c.35C>T (NM_020070.2); short protein forms A12V.
Identifiers: ClinVar variation 939503 (VCV000939503.10), dbSNP rs775788164, ClinGen allele CA10143438.

ClinVar aggregate classification (germline): Uncertain significance. Review status: criteria provided, multiple submitters, no conflicts (2 of 4 stars). 2 submissions from 2 submitters: Uncertain significance (2). Last evaluated 2024-11-13.

Conditions:
Agammaglobulinemia 2, autosomal recessive (AGM2). Also called: AGAMMAGLOBULINEMIA, AUTOSOMAL RECESSIVE, DUE TO IGLL1 DEFECT. Identifiers: MedGen C3150750, MONDO:0013287, OMIM 613500.

Allele frequency attached by ClinVar (database versions not stated): gnomAD 0.00002; TOPMed 0.00003; ExAC 0.00006.

Submissions (2):

Ambry Genetics
Classification: Uncertain significance. Last evaluated: 2024-11-13. Review status: criteria provided, single submitter. Criteria: Ambry Variant Classification Scheme 2023. Collection method: clinical testing. Allele origin: germline.

Labcorp Genetics (formerly Invitae), Labcorp
Classification: Uncertain significance for Agammaglobulinemia 2, autosomal recessive. Last evaluated: 2024-08-07. Review status: criteria provided, single submitter. Criteria: Invitae Variant Classification Sherloc (09022015). Collection method: clinical testing. Allele origin: germline.
Comment: This sequence change replaces alanine, which is neutral and non-polar, with valine, which is neutral and non-polar, at codon 12 of the IGLL1 protein (p.Ala12Val). The frequency data for this variant in the population databases is considered unreliable, as metrics indicate poor data quality at this position in the gnomAD database. This variant has not been reported in the literature in individuals affected with IGLL1-related conditions. ClinVar contains an entry for this variant (Variation ID: 939503). An algorithm developed to predict the effect of missense changes on protein structure and function (PolyPhen-2) suggests that this variant is likely to be tolerated. In summary, the available evidence is currently insufficient to determine the role of this variant in disease. Therefore, it has been classified as a Variant of Uncertain Significance.